The following is an entry in ClinVar:

NC_000004.11:g.(?_120057671)_(120057766_?)dup

Gene: MYOZ2 (myozenin 2; plus strand). Cytogenetic location: 4q26.
Variant type: Duplication.
Identifiers: ClinVar variation 1017305 (VCV001017305.1).

ClinVar aggregate classification (germline): Uncertain significance (1 of 4 stars; one submission).

Conditions:
Hypertrophic cardiomyopathy. Also called: HYPERTROPHIC MYOCARDIOPATHY. Identifiers: Orphanet 217569, MedGen C0007194, MeSH D002312, MONDO:0005045, HP:0001639.

Submission:

Labcorp Genetics (formerly Invitae), Labcorp
Classification: Uncertain significance for Hypertrophic cardiomyopathy. Last evaluated: 2020-02-03. Review status: criteria provided, single submitter. Criteria: Invitae Variant Classification Sherloc (09022015). Collection method: clinical testing. Allele origin: germline.
Comment: This variant results in a copy number gain of the genomic region encompassing exon 2 of the MYOZ2 gene, which includes the initiator codon. The 5' end of this event is unknown as it extends beyond the assayed region for this gene and therefore may encompass additional genes. The 3' boundary is likely confined to intron 3 of the MYOZ2 gene. As the precise location of this event is unknown, it may be in tandem or it may be located elsewhere in the genome. This variant has been observed in an individual affected with hypertrophic cardiomyopathy (PMID: 27066507). In summary, the available evidence is currently insufficient to determine the role of this variant in disease. Therefore, it has been classified as a Variant of Uncertain Significance.

Literature cited by the submitters: PubMed 27066507.